The following is an entry in ClinVar:

NM_001385012.1(NBEA):c.3797G>A (p.Arg1266Lys)

Gene: NBEA (neurobeachin; plus strand). Cytogenetic location: 13q13.3.
Variant type: single nucleotide variant.
Coding change: c.3797G>A on transcript NM_001385012.1 (MANE Select); coding-DNA position 3797, G replaced by A.
Protein change: p.Arg1266Lys; replaces arginine 1266 with lysine.
Molecular consequence: missense variant.
Genome position (GRCh38, 1-based): chr13:35,159,968, G>A. VCF-style: chr13-35159968-G-A. GRCh37 (hg19) VCF-style: chr13-35734105-G-A.
Other names: c.3797G>A, p.Arg1266Lys (NM_001379245.1, NM_015678.5); short protein forms R1266K.
Identifiers: ClinVar variation 3361324 (VCV003361324.2).
Genomic context (GRCh38, chr13:35,159,968, plus strand): 5'-CTTCTAGTAGCAAAATTGTACCAAATATTGATGCAGGAAGTATAATTTCAGATACTGAAA[G>A]GTCTGACGATGGCAAAGAATCAGGAAAAGAAATCCGAAAAATCCAAACAACTACTACGAC-3'
Protein context (NP_001371941.1, residues 1256-1276): DAGSIISDTE[Arg1266Lys]SDDGKESGKE

ClinVar aggregate classification (germline): Uncertain significance (1 of 4 stars; one submission).

Submission:

GeneDx
Classification: Uncertain significance. Last evaluated: 2024-12-14. Review status: criteria provided, single submitter. Criteria: GeneDx Variant Classification Process June 2021. Collection method: clinical testing. Allele origin: germline.
Comment: Not observed at significant frequency in large population cohorts (gnomAD); In silico analysis indicates that this missense variant does not alter protein structure/function; Has not been previously published as pathogenic or benign to our knowledge